The following is an entry in ClinVar:

NM_001170535.3(ATAD3A):c.859G>C (p.Glu287Gln)

Gene: ATAD3A (ATPase family AAA domain containing 3A; plus strand). Cytogenetic location: 1p36.33.
Variant type: single nucleotide variant.
Coding change: c.859G>C on transcript NM_001170535.3 (MANE Select); coding-DNA position 859, G replaced by C.
Protein change: p.Glu287Gln; replaces glutamic acid 287 with glutamine.
Molecular consequence: missense variant.
Genome position (GRCh38, 1-based): chr1:1,522,852, G>C. VCF-style: chr1-1522852-G-C. GRCh37 (hg19) VCF-style: chr1-1458232-G-C.
Other names: c.622G>C, p.Glu208Gln (NM_001170536.3); c.1003G>C, p.Glu335Gln (NM_018188.5); short protein forms E208Q, E287Q, E335Q.
Identifiers: ClinVar variation 1306644 (VCV001306644.3), dbSNP rs1245708729, ClinGen allele CA337856172.

ClinVar aggregate classification (germline): Uncertain significance (1 of 4 stars; one submission).

Allele frequency attached by ClinVar (database versions not stated): gnomAD exomes below 0.00001; TOPMed 0.00001.
gnomAD v4.1: 6 of 1,610,304 alleles (0.00037%); highest among the groups gnomAD compares: Non-Finnish European, 0.00042%; no homozygotes.

Submission:

GeneDx
Classification: Uncertain significance. Last evaluated: 2025-07-06. Review status: criteria provided, single submitter. Criteria: GeneDx Variant Classification Process June 2021. Collection method: clinical testing. Allele origin: germline. Affected: yes.
Comment: Not observed at significant frequency in large population cohorts (gnomAD); In silico analysis supports that this missense variant has a deleterious effect on protein structure/function; Has not been previously published as pathogenic or benign to our knowledge